The following is an entry in ClinVar:

ClinVar aggregate classification (germline): Conflicting classifications of pathogenicity. Review status: criteria provided, conflicting classifications (1 of 4 stars). 3 submissions from 3 submitters: Uncertain significance (2); Likely benign (1). Last evaluated 2025-09-15.

Conditions:
Hereditary cancer-predisposing syndrome. Also called: Hereditary neoplastic syndrome; Hereditary Cancer Syndrome; Neoplastic Syndromes, Hereditary; Tumor predisposition. Identifiers: Orphanet 140162, MedGen C0027672, MeSH D009386, MONDO:0015356.
Familial adenomatous polyposis 2. Also called: MYH-associated polyposis; COLORECTAL ADENOMATOUS POLYPOSIS, AUTOSOMAL RECESSIVE; ADENOMAS, MULTIPLE COLORECTAL, AUTOSOMAL RECESSIVE; MUTYH-related attenuated familial adenomatous polyposis; Adenomas, multiple colorectal; FAP type 2. Identifiers: Orphanet 220460, Orphanet 247798, MedGen C3272841, MONDO:0012041, OMIM 608456.

Submissions (3):

Ambry Genetics
Classification: Likely benign for Hereditary cancer-predisposing syndrome. Last evaluated: 2025-09-15. Review status: criteria provided, single submitter. Criteria: Ambry Variant Classification Scheme 2023. Collection method: clinical testing. Allele origin: germline.

Color Diagnostics, LLC DBA Color Health
Classification: Uncertain significance for Hereditary cancer-predisposing syndrome. Last evaluated: 2023-12-05. Review status: criteria provided, single submitter. Criteria: ACMG Guidelines, 2015. Collection method: clinical testing. Allele origin: germline.
Comment: This missense variant replaces valine with leucine at codon 194 of the MUTYH protein. Computational prediction is inconclusive regarding the impact of this variant on protein structure and function (internally defined REVEL score threshold 0.5 < inconclusive < 0.7, PMID: 27666373). To our knowledge, functional studies have not been reported for this variant. This variant has not been reported in individuals affected with MUTYH-related disorders in the literature. This variant has not been identified in the general population by the Genome Aggregation Database (gnomAD). The available evidence is insufficient to determine the role of this variant in disease conclusively. Therefore, this variant is classified as a Variant of Uncertain Significance.

Labcorp Genetics (formerly Invitae), Labcorp
Classification: Uncertain significance for Familial adenomatous polyposis 2. Last evaluated: 2022-05-09. Review status: criteria provided, single submitter. Criteria: Invitae Variant Classification Sherloc (09022015). Collection method: clinical testing. Allele origin: germline.
Comment: This sequence change replaces valine, which is neutral and non-polar, with leucine, which is neutral and non-polar, at codon 194 of the MUTYH protein (p.Val194Leu). This variant is not present in population databases (gnomAD no frequency). This variant has not been reported in the literature in individuals affected with MUTYH-related conditions. ClinVar contains an entry for this variant (Variation ID: 485891). Algorithms developed to predict the effect of missense changes on protein structure and function are either unavailable or do not agree on the potential impact of this missense change (SIFT: "Deleterious"; PolyPhen-2: "Benign"; Align-GVGD: "Class C0"). In summary, the available evidence is currently insufficient to determine the role of this variant in disease. Therefore, it has been classified as a Variant of Uncertain Significance.

NM_001048174.2(MUTYH):c.496G>T (p.Val166Leu)

Gene: MUTYH (mutY DNA glycosylase; minus strand). Cytogenetic location: 1p34.1.
Variant type: single nucleotide variant.
Coding change: c.496G>T on transcript NM_001048174.2 (MANE Select); coding-DNA position 496, G replaced by T.
Protein change: p.Val166Leu; replaces valine 166 with leucine.
Molecular consequence: missense variant. On other transcripts: non-coding transcript variant (2).
Genome position (GRCh38, 1-based): chr1:45,332,684, C>A on the plus strand (G>T on the coding strand, the complement: MUTYH is on the minus strand). VCF-style: chr1-45332684-C-A. GRCh37 (hg19) VCF-style: chr1-45798356-C-A.
Other names: c.496G>T, p.Val166Leu (NM_001048171.2, NM_001048173.2, NM_001293195.2); c.499G>T, p.Val167Leu (NM_001048172.2); c.580G>T, p.Val194Leu (NM_001128425.2); c.541G>T, p.Val181Leu (NM_001293190.2); c.529G>T, p.Val177Leu (NM_001293191.2); c.220G>T, p.Val74Leu (NM_001293192.2, NM_001293196.2); c.151G>T, p.Val51Leu (NM_001350650.2, NM_001350651.2); c.571G>T, p.Val191Leu (NM_012222.3); short protein forms V194L, V191L, V177L, V74L, V166L, V181L, V51L, V167L.
Identifiers: ClinVar variation 485891 (VCV000485891.12), dbSNP rs1553128642, ClinGen allele CA340135467.